The following is an entry in ClinVar:

ClinVar aggregate classification (germline): Uncertain significance (1 of 4 stars; one submission).

Conditions:
Myoclonic dystonia 11 (DYT11). Also called: Myoclonic dystonia; Dystonia 11; Dystonia, alcohol responsive; Hereditary essential myoclonus; SGCE Myoclonus-Dystonia; Myoclonus-Dystonia. Identifiers: Orphanet 36899, MedGen C1834570, MONDO:0008044, OMIM 159900.

Allele frequency attached by ClinVar (database versions not stated): gnomAD 0.00001.
gnomAD v4.1: 1 of 1,610,596 alleles (0.000062%); no homozygotes.

Submission:

Labcorp Genetics (formerly Invitae), Labcorp
Classification: Uncertain significance for Myoclonic dystonia 11. Last evaluated: 2023-07-30. Review status: criteria provided, single submitter. Criteria: Invitae Variant Classification Sherloc (09022015). Collection method: clinical testing. Allele origin: germline.
Comment: In summary, the available evidence is currently insufficient to determine the role of this variant in disease. Therefore, it has been classified as a Variant of Uncertain Significance. An algorithm developed to predict the effect of missense changes on protein structure and function (PolyPhen-2) suggests that this variant is likely to be tolerated. This variant has not been reported in the literature in individuals affected with SGCE-related conditions. This variant is not present in population databases (gnomAD no frequency). This sequence change replaces threonine, which is neutral and polar, with serine, which is neutral and polar, at codon 30 of the SGCE protein (p.Thr30Ser).

NM_003919.3(SGCE):c.89C>G (p.Thr30Ser)

Gene: SGCE (sarcoglycan epsilon; minus strand). Cytogenetic location: 7q21.3.
Variant type: single nucleotide variant.
Coding change: c.89C>G on transcript NM_003919.3 (MANE Select); coding-DNA position 89, C replaced by G.
Protein change: p.Thr30Ser; replaces threonine 30 with serine.
Molecular consequence: missense variant. On other transcripts: 5 prime UTR variant (4).
Genome position (GRCh38, 1-based): chr7:94,656,010, G>C on the plus strand (C>G on the coding strand, the complement: SGCE is on the minus strand). VCF-style: chr7-94656010-G-C. GRCh37 (hg19) VCF-style: chr7-94285322-G-C.
Other names: c.89C>G, p.Thr30Ser (NM_001099400.2, NM_001099401.2, NM_001301139.2 and 4 more transcripts); c.-169C>G (NM_001346719.2); c.-247C>G (NM_001346720.2, NM_001362808.2); c.-175C>G (NM_001362807.2); short protein forms T30S.
Identifiers: ClinVar variation 2748543 (VCV002748543.3), dbSNP rs1808618481, ClinGen allele CA368393583.
Genomic context (GRCh38, chr7:94,656,010, plus strand): 5'-GTTGGCCCCGGGACCTCCACGTCGCGCGCAGGCCACTAACCTGTCAGCAAGAATGTGCCA[G>C]TGGTCGCGGGGCTCATCCTGCGTGTCCCCCGACCCTGTCCCGTCCAAGCACAGGGGTCTC-3'
Protein context (NP_003910.1, residues 20-40): RGTRRMSPAT[Thr30Ser]GTFLLTVYSI